The following is an entry in ClinVar:

NM_000160.5(GCGR):c.922C>T (p.Arg308Trp)

Gene: GCGR (glucagon receptor; plus strand). Cytogenetic location: 17q25.3.
Variant type: single nucleotide variant.
Coding change: c.922C>T on transcript NM_000160.5 (MANE Select); coding-DNA position 922, C replaced by T.
Protein change: p.Arg308Trp; replaces arginine 308 with tryptophan.
Molecular consequence: missense variant.
Genome position (GRCh38, 1-based): chr17:81,812,226, C>T. VCF-style: chr17-81812226-C-T. GRCh37 (hg19) VCF-style: chr17-79770102-C-T.
Other names: short protein forms R308W.
Identifiers: ClinVar variation 3715330 (VCV003715330.2).

ClinVar aggregate classification (germline): Uncertain significance (1 of 4 stars; one submission).

gnomAD v4.1: 31 of 1,535,798 alleles (0.002%); highest among the groups gnomAD compares: East Asian, 0.034%; no homozygotes.

Submission:

Labcorp Genetics (formerly Invitae), Labcorp
Classification: Uncertain significance. Last evaluated: 2024-10-12. Review status: criteria provided, single submitter. Criteria: Invitae Variant Classification Sherloc (09022015). Collection method: clinical testing. Allele origin: germline.
Comment: This sequence change replaces arginine, which is basic and polar, with tryptophan, which is neutral and slightly polar, at codon 308 of the GCGR protein (p.Arg308Trp). This variant is present in population databases (no rsID available, gnomAD 0.1%), and has an allele count higher than expected for a pathogenic variant. This variant has not been reported in the literature in individuals affected with GCGR-related conditions. An algorithm developed to predict the effect of missense changes on protein structure and function (PolyPhen-2) suggests that this variant is likely to be disruptive. In summary, the available evidence is currently insufficient to determine the role of this variant in disease. Therefore, it has been classified as a Variant of Uncertain Significance.